The following is an entry in ClinVar:

NM_004727.3(SLC24A1):c.2752G>A (p.Val918Met)

Gene: SLC24A1 (solute carrier family 24 member 1; plus strand). Cytogenetic location: 15q22.31.
Variant type: single nucleotide variant.
Coding change: c.2752G>A on transcript NM_004727.3 (MANE Select); coding-DNA position 2752, G replaced by A.
Protein change: p.Val918Met; replaces valine 918 with methionine.
Molecular consequence: missense variant.
Genome position (GRCh38, 1-based): chr15:65,650,901, G>A. VCF-style: chr15-65650901-G-A. GRCh37 (hg19) VCF-style: chr15-65943239-G-A.
Other names: c.733G>A, p.Val245Met (NM_001254740.2); c.2752G>A, p.Val918Met (NM_001301031.1); c.2698G>A, p.Val900Met (NM_001301032.1, NM_001301033.2); c.2410G>A, p.Val804Met (NM_001411142.1); c.2752G>A (NM_004727.2); short protein forms V245M, V900M, V918M, V804M.
Identifiers: ClinVar variation 2150442 (VCV002150442.7), dbSNP rs775935542, ClinGen allele CA7620192.

ClinVar aggregate classification (germline): Uncertain significance. Review status: criteria provided, multiple submitters, no conflicts (2 of 4 stars). 3 submissions from 3 submitters: Uncertain significance (3). Last evaluated 2026-09-10.

Conditions:
SLC24A1-related disorder. Also called: SLC24A1-related condition.

Allele frequency attached by ClinVar (database versions not stated): ExAC 0.00002.
gnomAD v4.1: 10 of 1,613,836 alleles (0.00062%); highest among the groups gnomAD compares: African/African-American, 0.0027%; no homozygotes.

Submissions (3):

PreventionGenetics, part of Exact Sciences
Classification: Uncertain significance for SLC24A1-related condition. Last evaluated: 2026-09-10. Review status: criteria provided, single submitter. Criteria: ACMG Guidelines, 2015. Collection method: clinical testing. Allele origin: germline.
Comment: The SLC24A1 c.2752G>A variant is predicted to result in the amino acid substitution p.Val918Met. To our knowledge, this variant has not been reported in the literature. This variant is present in 0.0065% of alleles in individuals of African descent in gnomAD. At this time, the clinical significance of this variant is uncertain due to the absence of conclusive functional and genetic evidence.

Blueprint Genetics
Classification: Uncertain significance. Last evaluated: 2024-01-10. Review status: criteria provided, single submitter. Criteria: ACMG Guidelines, 2015. Collection method: clinical testing. Allele origin: germline.

Labcorp Genetics (formerly Invitae), Labcorp
Classification: Uncertain significance. Last evaluated: 2022-06-19. Review status: criteria provided, single submitter. Criteria: Invitae Variant Classification Sherloc (09022015). Collection method: clinical testing. Allele origin: germline.
Comment: This sequence change replaces valine, which is neutral and non-polar, with methionine, which is neutral and non-polar, at codon 918 of the SLC24A1 protein (p.Val918Met). This variant is present in population databases (rs775935542, gnomAD 0.004%). This variant has not been reported in the literature in individuals affected with SLC24A1-related conditions. Algorithms developed to predict the effect of missense changes on protein structure and function are either unavailable or do not agree on the potential impact of this missense change (SIFT: "Deleterious"; PolyPhen-2: "Benign"; Align-GVGD: "Class C0"). In summary, the available evidence is currently insufficient to determine the role of this variant in disease. Therefore, it has been classified as a Variant of Uncertain Significance.